The following is an entry in ClinVar:

ClinVar aggregate classification (germline): Uncertain significance (1 of 4 stars; one submission).

Submission:

GeneDx
Classification: Uncertain significance. Last evaluated: 2022-10-11. Review status: criteria provided, single submitter. Criteria: GeneDx Variant Classification Process June 2021. Collection method: clinical testing. Allele origin: germline. Affected: yes.
Comment: Not observed at significant frequency in large population cohorts (gnomAD); In silico analysis supports that this missense variant has a deleterious effect on protein structure/function; In silico analysis supports that this missense variant has a deleterious effect on splicing; Has not been previously published as pathogenic or benign to our knowledge

NM_005120.3(MED12):c.2275G>A (p.Gly759Arg)

Gene: MED12 (mediator complex subunit 12; plus strand). Cytogenetic location: Xq13.1.
Variant type: single nucleotide variant.
Coding change: c.2275G>A on transcript NM_005120.3 (MANE Select); coding-DNA position 2275, G replaced by A.
Protein change: p.Gly759Arg; replaces glycine 759 with arginine.
Molecular consequence: missense variant.
Genome position (GRCh38, 1-based): chrX:71,125,399, G>A. VCF-style: chrX-71125399-G-A. GRCh37 (hg19) VCF-style: chrX-70345249-G-A.
Other names: short protein forms G759R.
Identifiers: ClinVar variation 2499360 (VCV002499360.1), dbSNP rs2519679239, ClinGen allele CA413511881.